The following is an entry in ClinVar:

ClinVar aggregate classification (germline): Conflicting classifications of pathogenicity. Review status: criteria provided, conflicting classifications (1 of 4 stars). 2 submissions from 2 submitters: Uncertain significance (1); Likely benign (1). Last evaluated 2026-01-07.

Conditions:
Inborn genetic diseases. Identifiers: MedGen C0950123, MeSH D030342.

Allele frequency attached by ClinVar (database versions not stated): gnomAD exomes 0.00004; ESP Exome Variant Server 0.00015; gnomAD 0.00023; ExAC 0.00008; TOPMed 0.00022; 1000 Genomes Project 30x 0.00031; 1000 Genomes Project 0.00040.
gnomAD v4.1: 94 of 1,613,922 alleles (0.0058%); highest among the groups gnomAD compares: African/African-American, 0.091%; no homozygotes.

Submissions (2):

GeneDx
Classification: Uncertain significance. Last evaluated: 2026-01-07. Review status: criteria provided, single submitter. Criteria: GeneDx Variant Classification Process June 2021. Collection method: clinical testing. Allele origin: germline.
Comment: In silico analysis suggests that this missense variant does not alter protein structure/function; Has not been previously published as pathogenic or benign to our knowledge

Ambry Genetics
Classification: Likely benign for Inborn genetic diseases. Last evaluated: 2021-07-14. Review status: criteria provided, single submitter. Criteria: Ambry Variant Classification Scheme 2023. Collection method: clinical testing. Allele origin: germline.

NM_003793.4(CTSF):c.628G>A (p.Val210Ile)

Gene: CTSF (cathepsin F; minus strand). Cytogenetic location: 11q13.2.
Variant type: single nucleotide variant.
Coding change: c.628G>A on transcript NM_003793.4 (MANE Select); coding-DNA position 628, G replaced by A.
Protein change: p.Val210Ile; replaces valine 210 with isoleucine.
Molecular consequence: missense variant.
Genome position (GRCh38, 1-based): chr11:66,566,384, C>T on the plus strand (G>A on the coding strand, the complement: CTSF is on the minus strand). VCF-style: chr11-66566384-C-T. GRCh37 (hg19) VCF-style: chr11-66333855-C-T.
Other names: short protein forms V210I.
Identifiers: ClinVar variation 1752651 (VCV001752651.4), dbSNP rs180808563, ClinGen allele CA6125494.